The following is an entry in ClinVar:

NM_001003841.3(SLC6A19):c.170G>A (p.Arg57His)

Gene: SLC6A19 (solute carrier family 6 member 19; plus strand). Cytogenetic location: 5p15.33.
Variant type: single nucleotide variant.
Coding change: c.170G>A on transcript NM_001003841.3 (MANE Select); coding-DNA position 170, G replaced by A.
Protein change: p.Arg57His; replaces arginine 57 with histidine.
Molecular consequence: missense variant.
Genome position (GRCh38, 1-based): chr5:1,201,820, G>A. VCF-style: chr5-1201820-G-A. GRCh37 (hg19) VCF-style: chr5-1201935-G-A.
Other names: short protein forms R57H.
Identifiers: ClinVar variation 2430279 (VCV002430279.2), dbSNP rs146608591, ClinGen allele CA3182583.

ClinVar aggregate classification (germline): Likely pathogenic (1 of 4 stars; one submission).

Conditions:
Neutral 1 amino acid transport defect (HND). Also called: HARTNUP DISORDER; Hartnup disease. Identifiers: Orphanet 2116, MedGen C0018609, MONDO:0009324, OMIM 234500.

Allele frequency attached by ClinVar (database versions not stated): ExAC 0.00002; 1000 Genomes Project 30x 0.00016; 1000 Genomes Project 0.00040.

Submission:

Institute of Human Genetics, University of Leipzig Medical Center
Classification: Likely pathogenic for Neutral 1 amino acid transport defect. Last evaluated: 2023-01-17. Review status: criteria provided, single submitter. Criteria: ACMG Guidelines, 2015. Collection method: clinical testing. Allele origin: paternal. Inheritance: Autosomal recessive inheritance. Affected: yes.
Comment: Criteria applied: PP4_STR,PM3,PM2_SUP,PM5_SUP,PP3